The following is an entry in ClinVar:

ClinVar aggregate classification (germline): Uncertain significance (1 of 4 stars; one submission).

Conditions:
Autosomal recessive limb-girdle muscular dystrophy type 2J (LGMDR10). Also called: Limb-girdle muscular dystrophy, type 2J; MUSCULAR DYSTROPHY, LIMB-GIRDLE, AUTOSOMAL RECESSIVE 10. Identifiers: Orphanet 140922, MedGen C1837342, MONDO:0012127, OMIM 608807.
Dilated cardiomyopathy 1G (CMD1G). Identifiers: Orphanet 154, MedGen C1858763, MONDO:0011400, OMIM 604145.

Allele frequency attached by ClinVar (database versions not stated): gnomAD 0.00001; TOPMed 0.00001.
gnomAD v4.1: 2 of 1,613,756 alleles (0.00012%); highest among the groups gnomAD compares: Admixed American, 0.0033%; no homozygotes.

Submission:

Labcorp Genetics (formerly Invitae), Labcorp
Classification: Uncertain significance for Dilated cardiomyopathy 1G; Autosomal recessive limb-girdle muscular dystrophy type 2J. Last evaluated: 2025-03-24. Review status: criteria provided, single submitter. Criteria: Invitae Variant Classification Sherloc (09022015). Collection method: clinical testing. Allele origin: germline.
Comment: This sequence change replaces glutamic acid, which is acidic and polar, with glutamine, which is neutral and polar, at codon 33784 of the TTN protein (p.Glu33784Gln). This variant is present in population databases (no rsID available, gnomAD 0.1%). This variant has not been reported in the literature in individuals affected with TTN-related conditions. ClinVar contains an entry for this variant (Variation ID: 2140281). Experimental studies and prediction algorithms are not available or were not evaluated, and the functional significance of this variant is currently unknown. This variant is located in the M band of TTN (PMID: 25589632). Non-truncating variants in this region may be relevant for neuromuscular disorders, but have not been definitively shown to cause cardiomyopathy (PMID: 23975875). In summary, the available evidence is currently insufficient to determine the role of this variant in disease. Therefore, it has been classified as a Variant of Uncertain Significance.

Literature cited by the submitters: PubMed 25589632; PubMed 23975875.

NM_001267550.2(TTN):c.101350G>C (p.Glu33784Gln)

Genes: TTN-AS1 (TTN antisense RNA 1; plus strand), TTN (titin; minus strand). Cytogenetic location: 2q31.2.
Variant type: single nucleotide variant.
Coding change: c.101350G>C on transcript NM_001267550.2 (MANE Select); coding-DNA position 101350, G replaced by C.
Protein change: p.Glu33784Gln; replaces glutamic acid 33784 with glutamine.
Molecular consequence: missense variant.
Genome position (GRCh38, 1-based): chr2:178,535,265, C>G on the plus strand (G>C on the coding strand, the complement: TTN is on the minus strand). VCF-style: chr2-178535265-C-G. GRCh37 (hg19) VCF-style: chr2-179399992-C-G.
Other names: c.96427G>C, p.Glu32143Gln (NM_001256850.1); c.74155G>C, p.Glu24719Gln (NM_003319.4); c.93646G>C, p.Glu31216Gln (NM_133378.4); c.74530G>C, p.Glu24844Gln (NM_133432.3); c.74731G>C, p.Glu24911Gln (NM_133437.4); short protein forms E24844Q, E24719Q, E24911Q, E32143Q, E33784Q, E31216Q.
Identifiers: ClinVar variation 2140281 (VCV002140281.4), dbSNP rs918368881, ClinGen allele CA60959977.